The following is an entry in ClinVar:

ClinVar aggregate classification (germline): Conflicting classifications of pathogenicity. Review status: criteria provided, conflicting classifications (1 of 4 stars). 2 submissions from 2 submitters: Uncertain significance (1); Likely benign (1). Last evaluated 2025-07-24.

Conditions:
Hemolytic anemia due to glutathione reductase deficiency (CNSHA10). Also called: ANEMIA, CONGENITAL, NONSPHEROCYTIC HEMOLYTIC, 10. Identifiers: Orphanet 90030, MedGen C5231513, MONDO:0019531, OMIM 618660.

gnomAD v4.1: 159 of 1,537,126 alleles (0.01%); highest among the groups gnomAD compares: African/African-American, 0.19%; no homozygotes.

Submissions (2):

Mayo Clinic Laboratories, Mayo Clinic
Classification: Likely benign. Last evaluated: 2025-07-24. Review status: criteria provided, single submitter. Criteria: ACMG Guidelines, 2015. Collection method: clinical testing. Allele origin: germline. Observed: 1 variant allele.
Comment: BP4, BP7

ARUP Laboratories, Molecular Genetics and Genomics, ARUP Laboratories
Classification: Uncertain significance for Hemolytic anemia due to glutathione reductase deficiency. Last evaluated: 2025-03-05. Review status: criteria provided, single submitter. Criteria: ARUP Molecular Germline Variant Investigation Process 2024. Collection method: clinical testing. Allele origin: germline.
Comment: The GSR c.306C>T;p.Cys102= variant (rs187394555), to our knowledge, is not reported in the medical literature or gene specific databases. This variant is found predominantly in the African/African-American population with an allele frequency of 0.13% (19/14536 alleles) in the Genome Aggregation Database (v2.1.1). This is a synonymous variant and computational analyses (Alamut Visual Plus v.1.12) predict that this variant does not alter splicing. However, since this variant is located within the minimal splice region, the clinical significance of this variant is uncertain at this time. Due to the lack of clinical and functional data, the significance of this variant is uncertain at this time.

NM_000637.5(GSR):c.306C>T (p.Cys102=)

Genes: GSR (glutathione-disulfide reductase; minus strand), LOC130000170 (ATAC-STARR-seq lymphoblastoid silent region 19083; plus strand). Cytogenetic location: 8p12.
Variant type: single nucleotide variant.
Coding change: c.306C>T on transcript NM_000637.5 (MANE Select); coding-DNA position 306, C replaced by T.
Protein change: p.Cys102=; no amino-acid change (cysteine 102 retained).
Molecular consequence: synonymous variant.
Genome position (GRCh38, 1-based): chr8:30,727,530, G>A on the plus strand (C>T on the coding strand, the complement: GSR is on the minus strand). VCF-style: chr8-30727530-G-A. GRCh37 (hg19) VCF-style: chr8-30585047-G-A.
Other names: p.Cys102=; c.306C>T, p.Cys102= (NM_001195102.3, NM_001195103.3, NM_001195104.3).
Identifiers: ClinVar variation 4683329 (VCV004683329.2).
Genomic context (GRCh38, chr8:30,727,530, plus strand): 5'-GTCCCCCGAAAGACCGAGACAAAGAGGCGCCCCCCGCCCGAACAAACCGGCGGTACTCAC[G>A]CAAGTGCCACCCAGCTTGTGGCTCTCCACCACGGCGGCCCTGGCACCCAGCTCGGCCGCC-3'
Protein context (NP_000628.2, residues 92-112): VVESHKLGGT[Cys102=]VNVGCVPKKV